The following is an entry in ClinVar:

NM_000065.5(C6):c.1312G>A (p.Glu438Lys)

Gene: C6 (complement C6; minus strand). Cytogenetic location: 5p13.1.
Variant type: single nucleotide variant.
Coding change: c.1312G>A on transcript NM_000065.5 (MANE Select); coding-DNA position 1312, G replaced by A.
Protein change: p.Glu438Lys; replaces glutamic acid 438 with lysine.
Molecular consequence: missense variant.
Genome position (GRCh38, 1-based): chr5:41,161,839, C>T on the plus strand (G>A on the coding strand, the complement: C6 is on the minus strand). VCF-style: chr5-41161839-C-T. GRCh37 (hg19) VCF-style: chr5-41161941-C-T.
Other names: c.1312G>A, p.Glu438Lys (NM_001115131.4); short protein forms E438K.
Identifiers: ClinVar variation 1427459 (VCV001427459.8), dbSNP rs754230627, ClinGen allele CA3252494.

ClinVar aggregate classification (germline): Uncertain significance (1 of 4 stars; one submission).

Allele frequency attached by ClinVar (database versions not stated): gnomAD exomes below 0.00001 and 0.00001; ExAC 0.00001; TOPMed 0.00002; gnomAD 0.00003 and 0.00004.
gnomAD v4.1: 7 of 1,613,474 alleles (0.00043%); highest among the groups gnomAD compares: African/African-American, 0.0093%; no homozygotes.

Submission:

Labcorp Genetics (formerly Invitae), Labcorp
Classification: Uncertain significance. Last evaluated: 2021-01-29. Review status: criteria provided, single submitter. Criteria: Invitae Variant Classification Sherloc (09022015). Collection method: clinical testing. Allele origin: germline.
Comment: In summary, the available evidence is currently insufficient to determine the role of this variant in disease. Therefore, it has been classified as a Variant of Uncertain Significance. Algorithms developed to predict the effect of missense changes on protein structure and function are either unavailable or do not agree on the potential impact of this missense change (SIFT: "Deleterious"; PolyPhen-2: "Probably Damaging"; Align-GVGD: "Class C0"). This variant has not been reported in the literature in individuals with C6-related conditions. This variant is present in population databases (rs754230627, ExAC 0.01%). This sequence change replaces glutamic acid with lysine at codon 438 of the C6 protein (p.Glu438Lys). The glutamic acid residue is highly conserved and there is a small physicochemical difference between glutamic acid and lysine.